The following is an entry in ClinVar:

ClinVar aggregate classification (germline): Uncertain significance (1 of 4 stars; one submission).

Submission:

Labcorp Genetics (formerly Invitae), Labcorp
Classification: Uncertain significance. Last evaluated: 2023-05-29. Review status: criteria provided, single submitter. Criteria: Invitae Variant Classification Sherloc (09022015). Collection method: clinical testing. Allele origin: germline.
Comment: This sequence change replaces leucine, which is neutral and non-polar, with proline, which is neutral and non-polar, at codon 919 of the KIAA0556 protein (p.Leu919Pro). This variant is not present in population databases (gnomAD no frequency). In summary, the available evidence is currently insufficient to determine the role of this variant in disease. Therefore, it has been classified as a Variant of Uncertain Significance. Algorithms developed to predict the effect of missense changes on protein structure and function output the following: SIFT: "Not Available"; PolyPhen-2: "Benign"; Align-GVGD: "Not Available". The proline amino acid residue is found in multiple mammalian species, which suggests that this missense change does not adversely affect protein function. ClinVar contains an entry for this variant (Variation ID: 1682062). This variant has not been reported in the literature in individuals affected with KIAA0556-related conditions.

NM_015202.5(KATNIP):c.2756T>C (p.Leu919Pro)

Gene: KATNIP (katanin interacting protein; plus strand). Cytogenetic location: 16p12.1.
Variant type: single nucleotide variant.
Coding change: c.2756T>C on transcript NM_015202.5 (MANE Select); coding-DNA position 2756, T replaced by C.
Protein change: p.Leu919Pro; replaces leucine 919 with proline.
Molecular consequence: missense variant.
Genome position (GRCh38, 1-based): chr16:27,749,716, T>C. VCF-style: chr16-27749716-T-C. GRCh37 (hg19) VCF-style: chr16-27761037-T-C.
Other names: short protein forms L919P.
Identifiers: ClinVar variation 1682062 (VCV001682062.6), dbSNP rs751130943, ClinGen allele CA395324825.
Genomic context (GRCh38, chr16:27,749,716, plus strand): 5'-CATGGAGCTCCCTCAGTGCCTTCGACCGCTCCCACCGGGGACGCATCTCCAACACGGAGC[T>C]CCCGGGGGACATCCTGGATGAGCTCCTGCAGCAAAAGAGCAGCCGGCACAGCGACTTGCC-3'
Protein context (NP_056017.4, residues 909-929): SHRGRISNTE[Leu919Pro]PGDILDELLQ